The following is an entry in ClinVar:

NM_001103.4(ACTN2):c.2551C>T (p.Arg851Cys)

Gene: ACTN2 (actinin alpha 2; plus strand). Cytogenetic location: 1q43.
Variant type: single nucleotide variant.
Coding change: c.2551C>T on transcript NM_001103.4 (MANE Select); coding-DNA position 2551, C replaced by T.
Protein change: p.Arg851Cys; replaces arginine 851 with cysteine.
Molecular consequence: missense variant.
Genome position (GRCh38, 1-based): chr1:236,762,485, C>T. VCF-style: chr1-236762485-C-T. GRCh37 (hg19) VCF-style: chr1-236925785-C-T.
Other names: c.2551C>T, p.Arg851Cys (NM_001278343.2); c.1927C>T, p.Arg643Cys (NM_001278344.2); short protein forms R851C, R643C.
Identifiers: ClinVar variation 373652 (VCV000373652.18), dbSNP rs141563497, ClinGen allele CA1473489.

ClinVar aggregate classification (germline): Conflicting classifications of pathogenicity. Review status: criteria provided, conflicting classifications (1 of 4 stars). 7 submissions from 6 submitters: Uncertain significance (3); Likely benign (3). 1 of the submissions does not count toward it. Last evaluated 2026-02-02.

Conditions:
Primary familial hypertrophic cardiomyopathy (HCM). Identifiers: Orphanet 99739, MedGen C0949658, MeSH D024741, MONDO:0024573. Inheritance: Various modes of inheritance.
Dilated cardiomyopathy 1AA (CMD1AA). Also called: CARDIOMYOPATHY, DILATED, 1AA, WITH OR WITHOUT LEFT VENTRICULAR NONCOMPACTION; CARDIOMYOPATHY, FAMILIAL HYPERTROPHIC, 23, WITH OR WITHOUT LEFT VENTRICULAR NONCOMPACTION; Cardiomyopathy, dilated, 1AA, with or without LVNC. Identifiers: Orphanet 154, MedGen C2677338, MONDO:0012808, OMIM 612158.
Cardiovascular phenotype. Identifiers: MedGen CN230736.

Allele frequency attached by ClinVar (database versions not stated): gnomAD 0.00003 and 0.00006; TOPMed 0.00005; ESP Exome Variant Server 0.00008; gnomAD exomes 0.00010 and 0.00016; ExAC 0.00013; 1000 Genomes Project 30x 0.00016; 1000 Genomes Project 0.00020.
gnomAD v4.1: 154 of 1,614,160 alleles (0.0095%); highest among the groups gnomAD compares: South Asian, 0.048%; no homozygotes.

Submissions (7):

Labcorp Genetics (formerly Invitae), Labcorp
Classification: Likely benign for Primary familial hypertrophic cardiomyopathy; Dilated cardiomyopathy 1AA. Last evaluated: 2026-02-02. Review status: criteria provided, single submitter. Criteria: Invitae Variant Classification Sherloc (09022015). Collection method: clinical testing. Allele origin: germline.

Ambry Genetics
Classification: Uncertain significance for Cardiovascular phenotype. Last evaluated: 2024-12-04. Review status: criteria provided, single submitter. Criteria: Ambry Variant Classification Scheme 2023. Collection method: clinical testing. Allele origin: germline.
Comment: The p.R851C variant (also known as c.2551C>T), located in coding exon 21 of the ACTN2 gene, results from a C to T substitution at nucleotide position 2551. The arginine at codon 851 is replaced by cysteine, an amino acid with highly dissimilar properties. This variant was reported in a pediatric cardiomyopathy cohort, but clinical details were limited (Ware SM et al. Am J Hum Genet, 2022 Feb;109:282-298). This amino acid position is highly conserved in available vertebrate species. In addition, the in silico prediction for this alteration is inconclusive. Based on the available evidence, the clinical significance of this variant remains unclear.

Blueprint Genetics
Classification: Likely benign. Last evaluated: 2022-09-14. Review status: criteria provided, single submitter. Criteria: ACMG Guidelines, 2015. Collection method: clinical testing. Allele origin: germline.

Women's Health and Genetics/Laboratory Corporation of America, LabCorp
Classification: Likely benign. Last evaluated: 2022-02-12. Review status: criteria provided, single submitter. Criteria: LabCorp Variant Classification Summary - May 2015. Collection method: clinical testing. Allele origin: germline.

Victorian Clinical Genetics Services, Murdoch Childrens Research Institute
Classification: Uncertain significance for Dilated cardiomyopathy 1AA. Last evaluated: 2021-05-06. Review status: criteria provided, single submitter. Criteria: ACMG Guidelines, 2015. Collection method: clinical testing. Allele origin: germline. Inheritance: Autosomal dominant inheritance. Affected: yes.
Comment: Based on the classification scheme VCGS_Germline_v1.3.4, this variant is classified as VUS-3C. Following criteria are met: 0102 - Loss of function is a known mechanism of disease in this gene and is associated with dilated cardiomyopathy, 1AA, with or without LVNC (MIM#612158), hypertrophic cardiomyopathy, 23, with or without LVNC (MIM#612158), congenital myopathy with structured cores and Z-line abnormalities (MIM#618654) and adult onset distal myopathy, 6 (MIM#618655) (PMID: 27287556). (I) 0107 - This gene is known to be associated with autosomal dominant disease. (I) 0200 - Variant is predicted to result in a missense amino acid change from arginine to cysteine. (I) 0251 - Variant is heterozygous. (I) 0310 - Variant is present in gnomAD >=0.001 and <0.01 for a dominant condition (v2: 39 heterozygotes, 0 homozygotes). (I) 0309 - An alternative amino acid change at the same position has been observed in gnomAD (v2) (p.(Arg851His): 13 heterozygotes, 0 homozygotes). (I) 0501 - Missense variant consistently predicted to be damaging by multiple in silico tools or highly conserved with a major amino acid change. (SP) 0600 - Variant is located in the annotated Ca2+ insensitive EF hand domain (PDB). It should also be noted that this variant is a methylated arginine site and that genetic changes at these sites has been suggested to be associated with cardiac disease (PMID: 27600370). (I) 0710 – Another missense variant comparable to the one identified in this case has inconclusive previous evidence for pathogenicity. The p.(Arg851His) variant has been classified as a VUS by clinical diagnostic laboratories and also reported once as a VUS in the literature (ClinVar; PMID: 23861362) (I). 0809 - Previous evidence of pathogenicity for this variant is inconclusive. This variant has been classified as a VUS by clinical diagnostic laboratories (ClinVar). (I) 0905 - No published segregation evidence has been identified for this variant. (I) 1007 - No published functional evidence has been identified for this variant. (I) 1208 - Inheritance information for this variant is not currently available in this individual. (I) Legend: (SP) - Supporting pathogenic, (I) - Information, (SB) - Supporting benign

GeneDx
Classification: Uncertain significance. Last evaluated: 2020-09-30. Review status: criteria provided, single submitter. Criteria: GeneDx Variant Classification Process June 2021. Collection method: clinical testing. Allele origin: germline. Affected: yes.
Comment: In silico analysis supports that this missense variant has a deleterious effect on protein structure/function; Has not been previously published as pathogenic or benign to our knowledge

GeneDx
Classification: Uncertain significance. Last evaluated: 2016-12-05. Review status: flagged submission. Criteria: GeneDx Variant Classification (06012015). Collection method: clinical testing. Allele origin: germline. Affected: yes. Not counted in ClinVar's aggregate classification.
Comment: The R851C variant has not been published as a pathogenic variant, nor has it been reported as a benign variant to our knowledge. It was not observed with any significant frequency in approximately 6,500 individuals of European and African American ancestry in the NHLBI Exome Sequencing Project. In addition, the R851C variant is a non-conservative amino acid substitution, which is likely to impact secondary protein structure as these residues differ in polarity, charge, size and/or other properties. Moreover, this substitution occurs at a position that is conserved across species, and in silico analysis predicts this variant is probably damaging to the protein structure/function. Nonetheless, this variant lacks observation in a significant number of affected individuals, segregation data, and functional evidence, all of which would further clarify pathogenicity.Therefore, based on the currently available information, it is unclear whether this variant is pathogenic or rare benign. This result cannot be interpreted for diagnosis or used for family member screening at this time.
ClinVar note: Reason: This record appears to be redundant with a more recent record from the same submitter.
ClinVar note: Notes: SCV000492265 appears to be redundant with SCV001782592.

Literature cited by the submitters: PubMed 35026164 (cited by Ambry Genetics); PubMed 23861362 (cited by Victorian Clinical Genetics Services, Murdoch Childrens Research Institute); PubMed 27287556 (cited by Victorian Clinical Genetics Services, Murdoch Childrens Research Institute); PubMed 27600370 (cited by Victorian Clinical Genetics Services, Murdoch Childrens Research Institute).